The following is an entry in ClinVar:

NM_001243133.2(NLRP3):c.375C>A (p.Ile125=)

Gene: NLRP3 (NLR family pyrin domain containing 3; plus strand). Cytogenetic location: 1q44.
Variant type: single nucleotide variant.
Coding change: c.375C>A on transcript NM_001243133.2 (MANE Select); coding-DNA position 375, C replaced by A.
Protein change: p.Ile125=; no amino-acid change (isoleucine 125 retained).
Molecular consequence: synonymous variant.
Genome position (GRCh38, 1-based): chr1:247,423,327, C>A. VCF-style: chr1-247423327-C-A. GRCh37 (hg19) VCF-style: chr1-247586629-C-A.
Other names: c.375C>A, p.Ile125= (NM_001079821.3, NM_001127461.3, NM_001127462.3 and 1 more transcripts); c.381C>A, p.Ile127= (NM_004895.5).
Identifiers: ClinVar variation 667137 (VCV000667137.6), dbSNP rs758069883, ClinGen allele CA424416283.
Genomic context (GRCh38, chr1:247,423,327, plus strand): 5'-ATGCCAGGAAGACAGCATTGAAGAGGAGTGGATGGGTTTACTGGAGTACCTTTCGAGAAT[C>A]TCTATTTGTAAAATGAAGAAAGGTAAGCGACTGGGGTGGTGCTTCTAGTTGAGTTTTAAG-3'
Protein context (NP_001230062.1, residues 115-135): WMGLLEYLSR[Ile125=]SICKMKKDYR

ClinVar aggregate classification (germline): Likely benign. Review status: criteria provided, multiple submitters, no conflicts (2 of 4 stars). 2 submissions from 2 submitters: Likely benign (2). Last evaluated 2025-03-11.

Conditions:
Cryopyrin associated periodic syndrome (CAPS). Identifiers: Orphanet 208650, MedGen C2316212, MONDO:0016168.

gnomAD v4.1: 1 of 1,589,906 alleles (0.000063%); highest among the groups gnomAD compares: Non-Finnish European, 0.000086%; no homozygotes.

Submissions (2):

Labcorp Genetics (formerly Invitae), Labcorp
Classification: Likely benign for Cryopyrin associated periodic syndrome. Last evaluated: 2025-03-11. Review status: criteria provided, single submitter. Criteria: Invitae Variant Classification Sherloc (09022015). Collection method: clinical testing. Allele origin: germline.

Laboratory for Molecular Medicine, Mass General Brigham Personalized Medicine
Classification: Likely benign. Last evaluated: 2019-02-27. Review status: criteria provided, single submitter. Criteria: LMM Criteria. Collection method: clinical testing. Allele origin: germline. Observed: 1 variant allele.
Comment: The p.Ile127Ile variant in NLRP3 is classified as likely benign because it does not alter an amino acid residue, it is not located within the splice consensus sequence, and splice prediction algorithms do not predict a newly created splice site. ACMG/AMP Criteria applied: BP4, BP7.